The following is an entry in ClinVar:

ClinVar aggregate classification (germline): Uncertain significance (1 of 4 stars; one submission).

Conditions:
Cystic fibrosis (CF). Also called: MUCOVISCIDOSIS. Identifiers: Orphanet 586, MedGen C0010674, MONDO:0009061, OMIM 219700. Disease mechanism: loss of function.

Submission:

Ambry Genetics
Classification: Uncertain significance for Cystic fibrosis. Last evaluated: 2015-10-19. Review status: criteria provided, single submitter. Criteria: Ambry Variant Classification Scheme 2023. Collection method: clinical testing. Allele origin: germline.
Comment: The p.V1024E variant (also known as c.3071T>A), located in coding exon 19 of the CFTR gene, results from a T to A substitution at nucleotide position 3071. The valine at codon 1024 is replaced by glutamic acid, an amino acid with dissimilar properties. This amino acid position is poorly conserved in available vertebrate species. In addition, the in silico prediction for this alteration is inconclusive. Since supporting evidence is limited at this time, the clinical significance of this alteration remains unclear.

NM_000492.4(CFTR):c.3071T>A (p.Val1024Glu)

Genes: CFTR (CF transmembrane conductance regulator; plus strand), CFTR-AS2 (CFTR antisense RNA 2; minus strand), LOC111674472 (DNase I hypersensitive sites in introns 16 and 17a of CFTR; plus strand). Cytogenetic location: 7q31.2.
Variant type: single nucleotide variant.
Coding change: c.3071T>A on transcript NM_000492.4 (MANE Select); coding-DNA position 3071, T replaced by A.
Protein change: p.Val1024Glu; replaces valine 1024 with glutamic acid.
Molecular consequence: missense variant.
Genome position (GRCh38, 1-based): chr7:117,610,601, T>A. VCF-style: chr7-117610601-T-A. GRCh37 (hg19) VCF-style: chr7-117250655-T-A.
Other names: short protein forms V1024E.
Identifiers: ClinVar variation 1727264 (VCV001727264.2), dbSNP rs2485129057, ClinGen allele CA368990721.